The following is an entry in ClinVar:

ClinVar aggregate classification (germline): Likely benign (1 of 4 stars; one submission).

Conditions:
TBX3-related disorder. Also called: TBX3-related condition.

gnomAD v4.1: 11 of 1,580,142 alleles (0.0007%); highest among the groups gnomAD compares: Non-Finnish European, 0.00086%; no homozygotes.

Submission:

PreventionGenetics, part of Exact Sciences
Classification: Likely benign for TBX3-related condition. Last evaluated: 2026-04-12. Review status: criteria provided, single submitter. Criteria: ACMG Guidelines, 2015. Collection method: clinical testing. Allele origin: germline.
Comment: This variant is classified as likely benign based on ACMG/AMP sequence variant interpretation guidelines (Richards et al. 2015 PMID: 25741868, with internal and published modifications).

NM_005996.4(TBX3):c.1665G>A (p.Ala555=)

Gene: TBX3 (T-box transcription factor 3; minus strand). Cytogenetic location: 12q24.21.
Variant type: single nucleotide variant.
Coding change: c.1665G>A on transcript NM_005996.4 (MANE Select); coding-DNA position 1665, G replaced by A.
Protein change: p.Ala555=; no amino-acid change (alanine 555 retained).
Molecular consequence: synonymous variant.
Genome position (GRCh38, 1-based): chr12:114,674,210, C>T on the plus strand (G>A on the coding strand, the complement: TBX3 is on the minus strand). VCF-style: chr12-114674210-C-T. GRCh37 (hg19) VCF-style: chr12-115112015-C-T.
Other names: c.1725G>A, p.Ala575= (NM_016569.4).
Identifiers: ClinVar variation 4987465 (VCV004987465.1).